The following is an entry in ClinVar:

ClinVar aggregate classification (germline): Uncertain significance. Review status: criteria provided, multiple submitters, no conflicts (2 of 4 stars). 4 submissions from 3 submitters: Uncertain significance (4). Last evaluated 2023-04-11.

Conditions:
Ectopia lentis 2, isolated, autosomal recessive (ECTOL2). Identifiers: Orphanet 1885, MedGen C3541474, MONDO:0009152, OMIM 225100.
Ectopia lentis et pupillae. Also called: ECTOPIA LENTIS WITH ECTOPIA OF PUPIL. Identifiers: Orphanet 1885, MedGen C1644196, MONDO:0009153, OMIM 225200.

gnomAD v4.1: 3 of 1,613,800 alleles (0.00019%); highest among the groups gnomAD compares: Admixed American, 0.0017%; no homozygotes.

Submissions (4):

Genome-Nilou Lab
Classification: Uncertain significance for Ectopia lentis et pupillae. Last evaluated: 2023-04-11. Review status: criteria provided, single submitter. Criteria: ACMG Guidelines, 2015. Collection method: clinical testing. Allele origin: germline. Affected: no.

Genome-Nilou Lab
Classification: Uncertain significance for Ectopia lentis 2, isolated, autosomal recessive. Last evaluated: 2023-04-11. Review status: criteria provided, single submitter. Criteria: ACMG Guidelines, 2015. Collection method: clinical testing. Allele origin: germline. Affected: no.

Labcorp Genetics (formerly Invitae), Labcorp
Classification: Uncertain significance. Last evaluated: 2022-10-04. Review status: criteria provided, single submitter. Criteria: Invitae Variant Classification Sherloc (09022015). Collection method: clinical testing. Allele origin: germline.
Comment: This sequence change replaces arginine, which is basic and polar, with glycine, which is neutral and non-polar, at codon 387 of the ADAMTSL4 protein (p.Arg387Gly). This variant is not present in population databases (gnomAD no frequency). In summary, the available evidence is currently insufficient to determine the role of this variant in disease. Therefore, it has been classified as a Variant of Uncertain Significance. Advanced modeling of protein sequence and biophysical properties (such as structural, functional, and spatial information, amino acid conservation, physicochemical variation, residue mobility, and thermodynamic stability) performed at Invitae indicates that this missense variant is expected to disrupt ADAMTSL4 protein function. ClinVar contains an entry for this variant (Variation ID: 292531). This variant has not been reported in the literature in individuals affected with ADAMTSL4-related conditions.

Illumina Laboratory Services, Illumina
Classification: Uncertain significance for Ectopia lentis 2, isolated, autosomal recessive. Last evaluated: 2018-01-13. Review status: criteria provided, single submitter. Criteria: ICSL Variant Classification Criteria 13 December 2019. Collection method: clinical testing. Allele origin: germline.

NM_019032.6(ADAMTSL4):c.1159C>G (p.Arg387Gly)

Genes: ADAMTSL4 (ADAMTS like 4; plus strand), ADAMTSL4-AS2 (ADAMTSL4 antisense RNA 2; minus strand). Cytogenetic location: 1q21.2.
Variant type: single nucleotide variant.
Coding change: c.1159C>G on transcript NM_019032.6 (MANE Select); coding-DNA position 1159, C replaced by G.
Protein change: p.Arg387Gly; replaces arginine 387 with glycine.
Molecular consequence: missense variant.
Genome position (GRCh38, 1-based): chr1:150,554,392, C>G. VCF-style: chr1-150554392-C-G. GRCh37 (hg19) VCF-style: chr1-150526868-C-G.
Other names: c.1159C>G, p.Arg387Gly (NM_001288607.2, NM_001288608.2, NM_001378596.1 and 1 more transcripts); short protein forms R387G.
Identifiers: ClinVar variation 292531 (VCV000292531.10), dbSNP rs763308439, ClinGen allele CA10608073.
Genomic context (GRCh38, chr1:150,554,392, plus strand): 5'-CCAGCTCTGACTCCTTTGTACCCCTCACCGCAGCCCTGCCCCCCTGAGCAGCCAGACCCC[C>G]GGGCCCTGCAGTGCGCAGCCTTTAACTCCCAGGAATTCATGGGCCAGCTGTATCAGTGGG-3'
Protein context (NP_061905.2, residues 377-397): APCPPEQPDP[Arg387Gly]ALQCAAFNSQ